The following is an entry in ClinVar:

ClinVar aggregate classification (germline): Uncertain significance. Review status: criteria provided, multiple submitters, no conflicts (2 of 4 stars). 2 submissions from 2 submitters: Uncertain significance (2). Last evaluated 2023-06-20.

Conditions:
Hereditary cancer-predisposing syndrome. Also called: Neoplastic Syndromes, Hereditary; Tumor predisposition; Hereditary Cancer Syndrome; Hereditary neoplastic syndrome. Identifiers: Orphanet 140162, MedGen C0027672, MeSH D009386, MONDO:0015356.

Submissions (2):

GeneDx
Classification: Uncertain significance. Last evaluated: 2023-06-20. Review status: criteria provided, single submitter. Criteria: GeneDx Variant Classification Process June 2021. Collection method: clinical testing. Allele origin: germline. Affected: yes.
Comment: Not observed at significant frequency in large population cohorts (gnomAD); In silico analysis supports that this missense variant does not alter protein structure/function; Has not been previously published as pathogenic or benign to our knowledge; This variant is associated with the following publications: (PMID: 18199528)

Ambry Genetics
Classification: Uncertain significance for Hereditary cancer-predisposing syndrome. Last evaluated: 2019-12-09. Review status: criteria provided, single submitter. Criteria: Ambry Variant Classification Scheme 2023. Collection method: clinical testing. Allele origin: germline.
Comment: The p.S2803P variant (also known as c.8407T>C), located in coding exon 15 of the APC gene, results from a T to C substitution at nucleotide position 8407. The serine at codon 2803 is replaced by proline, an amino acid with similar properties. This amino acid position is highly conserved in available vertebrate species. In addition, in silico predictors for this gene do not accurately predict pathogenicity. Since supporting evidence is limited at this time, the clinical significance of this alteration remains unclear.

NM_000038.6(APC):c.8407T>C (p.Ser2803Pro)

Gene: APC (APC regulator of Wnt signaling pathway; plus strand). Cytogenetic location: 5q22.2.
Variant type: single nucleotide variant.
Coding change: c.8407T>C on transcript NM_000038.6 (MANE Select); coding-DNA position 8407, T replaced by C.
Protein change: p.Ser2803Pro; replaces serine 2803 with proline.
Molecular consequence: missense variant.
Genome position (GRCh38, 1-based): chr5:112,844,001, T>C. VCF-style: chr5-112844001-T-C. GRCh37 (hg19) VCF-style: chr5-112179698-T-C.
Other names: c.8407T>C, p.Ser2803Pro (NM_001127510.3, NM_001354895.2, NM_001407450.1); c.8353T>C, p.Ser2785Pro (NM_001127511.3); c.8461T>C, p.Ser2821Pro (NM_001354896.2, NM_001407447.1, NM_001407448.1 and 1 more transcripts); c.8437T>C, p.Ser2813Pro (NM_001354897.2); c.8332T>C, p.Ser2778Pro (NM_001354898.2); c.8323T>C, p.Ser2775Pro (NM_001354899.2); c.8284T>C, p.Ser2762Pro (NM_001354900.2); c.8230T>C, p.Ser2744Pro (NM_001354901.2, NM_001407453.1); and 11 more; short protein forms S2643P, S2702P, S2712P, S2778P, S2785P, S2821P, S2419P, S2520P.
Identifiers: ClinVar variation 1763265 (VCV001763265.3), dbSNP rs1766737898, ClinGen allele CA16039573.